The following is an entry in ClinVar:

ClinVar aggregate classification (germline): Conflicting classifications of pathogenicity. Review status: criteria provided, conflicting classifications (1 of 4 stars). 5 submissions from 5 submitters: Uncertain significance (1); Benign (1); Likely benign (3). Last evaluated 2026-01-20.

Conditions:
Hereditary insensitivity to pain with anhidrosis (CIPA). Also called: HSAN Type IV; INSENSITIVITY TO PAIN, CONGENITAL, WITH ANHIDROSIS; hereditary sensory and autonomic neuropathy type 4; NTRK1 Congenital Insensitivity to Pain with Anhidrosis; FAMILIAL DYSAUTONOMIA, TYPE II; NEUROPATHY, CONGENITAL SENSORY, WITH ANHIDROSIS. Identifiers: Orphanet 642, MedGen C0020074, MONDO:0009746, OMIM 256800.
NTRK1-related disorder. Also called: NTRK1-related condition.

Allele frequency attached by ClinVar (database versions not stated): gnomAD exomes 0.00016 and 0.00036; ESP Exome Variant Server 0.00031; gnomAD 0.00042 and 0.00044; TOPMed 0.00046; ExAC 0.00049; 1000 Genomes Project 0.00060; 1000 Genomes Project 30x 0.00078.
gnomAD v4.1: 300 of 1,611,350 alleles (0.019%); highest among the groups gnomAD compares: Middle Eastern, 0.14%; 3 homozygotes.

Submissions (5):

Labcorp Genetics (formerly Invitae), Labcorp
Classification: Benign for Hereditary insensitivity to pain with anhidrosis. Last evaluated: 2026-01-20. Review status: criteria provided, single submitter. Criteria: Invitae Variant Classification Sherloc (09022015). Collection method: clinical testing. Allele origin: germline.

Mayo Clinic Laboratories, Mayo Clinic
Classification: Likely benign. Last evaluated: 2025-05-13. Review status: criteria provided, single submitter. Criteria: ACMG Guidelines, 2015. Collection method: clinical testing. Allele origin: germline. Observed: 1 variant allele.
Comment: BS1, BP4, BP7

PreventionGenetics, part of Exact Sciences
Classification: Likely benign for NTRK1-related condition. Last evaluated: 2025-03-14. Review status: criteria provided, single submitter. Criteria: ACMG Guidelines, 2015. Collection method: clinical testing. Allele origin: germline.
Comment: This variant is classified as likely benign based on ACMG/AMP sequence variant interpretation guidelines (Richards et al. 2015 PMID: 25741868, with internal and published modifications).

CeGaT Center for Human Genetics Tuebingen
Classification: Likely benign. Last evaluated: 2025-03-01. Review status: criteria provided, single submitter. Criteria: CeGaT Center For Human Genetics Tuebingen Variant Classification Criteria Version 2. Collection method: clinical testing. Allele origin: germline. Affected: yes. Observed: 2 variant alleles.
Comment: NTRK1: BP4, BP7

GeneDx
Classification: Uncertain significance. Last evaluated: 2020-02-27. Review status: criteria provided, single submitter. Criteria: GeneDx Variant Classification Process June 2021. Collection method: clinical testing. Allele origin: germline. Affected: yes.
Comment: Has not been previously published as pathogenic or benign to our knowledge; In-silico analysis, which includes splice predictors and evolutionary conservation, is inconclusive as to whether the variant alters gene splicing. In the absence of RNA/functional studies, the actual effect of this sequence change is unknown.

NM_002529.4(NTRK1):c.1803C>G (p.Leu601=)

Gene: NTRK1 (neurotrophic receptor tyrosine kinase 1; plus strand). Cytogenetic location: 1q23.1.
Variant type: single nucleotide variant.
Coding change: c.1803C>G on transcript NM_002529.4 (MANE Select); coding-DNA position 1803, C replaced by G.
Protein change: p.Leu601=; no amino-acid change (leucine 601 retained).
Molecular consequence: synonymous variant.
Genome position (GRCh38, 1-based): chr1:156,876,570, C>G. VCF-style: chr1-156876570-C-G. GRCh37 (hg19) VCF-style: chr1-156846362-C-G.
Other names: p.Leu595=; c.1695C>G, p.Leu565= (NM_001007792.1); c.1785C>G, p.Leu595= (NM_001012331.2); c.1803C>G (NM_002529.3).
Identifiers: ClinVar variation 704099 (VCV000704099.39), dbSNP rs146129485, ClinGen allele CA1169473.